The following is an entry in ClinVar:

ClinVar aggregate classification (germline): Pathogenic (1 of 4 stars; one submission).

Submission:

GeneDx
Classification: Pathogenic. Last evaluated: 2018-04-18. Review status: criteria provided, single submitter. Criteria: GeneDx Variant Classification (06012015). Collection method: clinical testing. Allele origin: germline. Affected: yes.
Comment: The c.5386delA pathogenic variant in the SCN1A gene causes a frameshift starting with codon Serine 1796, changes this amino acid to a Valine residue and creates a premature Stop codon at position 5 of the new reading frame, denoted p.Ser1796ValfsX5. This pathogenic variant is predicted to cause loss of normal protein function through protein truncation as the last 214 amino acids of the protein are lost and replaced with 4 incorrect amino acids. The c.5386delA variant is not observed in large population cohorts (Lek et al., 2016).

NM_001165963.4(SCN1A):c.5386del (p.Ser1796fs)

Genes: SCN1A (sodium voltage-gated channel alpha subunit 1; minus strand), LOC102724058 (uncharacterized LOC102724058; plus strand). Cytogenetic location: 2q24.3.
Variant type: Deletion.
Coding change: c.5386del on transcript NM_001165963.4 (MANE Select); coding-DNA position 5386, one base deleted (A; older notation c.5386delA).
Protein change: p.Ser1796fs; shifts the reading frame from serine 1796.
Molecular consequence: frameshift variant. On other transcripts: non-coding transcript variant (1).
Genome position (GRCh38, 1-based): chr2:165,991,889, T deleted on the plus strand (A on the coding strand, the reverse complement: SCN1A is on the minus strand); the first of 3 consecutive T bases (chr2:165,991,889-165,991,891); deleting any one gives the same sequence. VCF-style (leftmost placement, unchanged base first): chr2-165991888-CT-C. GRCh37 (hg19) VCF-style: chr2-166848398-CT-C.
Other names: c.5302del, p.Ser1768fs (NM_001165964.3, NM_001353957.2, NM_001353958.2); c.5386del, p.Ser1796fs (NM_001202435.3, NM_001353948.2); c.5353del, p.Ser1785fs (NM_001353949.2, NM_001353950.2, NM_001353951.2 and 2 more transcripts); c.5350del, p.Ser1784fs (NM_001353954.2, NM_001353955.2); c.5299del, p.Ser1767fs (NM_001353960.2); c.2944del, p.Ser982fs (NM_001353961.2); short protein forms S1767fs, S1768fs, S1785fs, S1784fs, S1796fs, S982fs.
Identifiers: ClinVar variation 524081 (VCV000524081.2), dbSNP rs1553520151, ClinGen allele CA658795914.